The following is an entry in ClinVar:

NM_001379500.1(COL18A1):c.1220C>T (p.Pro407Leu)

Gene: COL18A1 (collagen type XVIII alpha 1 chain; plus strand). Cytogenetic location: 21q22.3.
Variant type: single nucleotide variant.
Coding change: c.1220C>T on transcript NM_001379500.1 (MANE Select); coding-DNA position 1220, C replaced by T.
Protein change: p.Pro407Leu; replaces proline 407 with leucine.
Molecular consequence: missense variant.
Genome position (GRCh38, 1-based): chr21:45,477,964, C>T. VCF-style: chr21-45477964-C-T. GRCh37 (hg19) VCF-style: chr21-46897878-C-T.
Other names: NM_130445.2:c.1220C>T; c.1760C>T, p.Pro587Leu (NM_030582.4); c.2465C>T, p.Pro822Leu (NM_130444.3); short protein forms P587L, P407L, P822L.
Identifiers: ClinVar variation 1388052 (VCV001388052.5), dbSNP rs761200713, ClinGen allele CA321916492.

ClinVar aggregate classification (germline): Uncertain significance. Review status: criteria provided, multiple submitters, no conflicts (2 of 4 stars). 2 submissions from 2 submitters: Uncertain significance (2). Last evaluated 2025-10-22.

Conditions:
Inborn genetic diseases. Identifiers: MedGen C0950123, MeSH D030342.

Allele frequency attached by ClinVar (database versions not stated): gnomAD exomes 0.00001; TOPMed 0.00003; gnomAD 0.00001.
gnomAD v4.1: 10 of 1,487,080 alleles (0.00067%); highest among the groups gnomAD compares: East Asian, 0.0073%; no homozygotes.

Submissions (2):

Ambry Genetics
Classification: Uncertain significance for Inborn genetic diseases. Last evaluated: 2025-10-22. Review status: criteria provided, single submitter. Criteria: Ambry Variant Classification Scheme 2023. Collection method: clinical testing. Allele origin: germline.

Labcorp Genetics (formerly Invitae), Labcorp
Classification: Uncertain significance. Last evaluated: 2022-08-23. Review status: criteria provided, single submitter. Criteria: Invitae Variant Classification Sherloc (09022015). Collection method: clinical testing. Allele origin: germline.
Comment: This sequence change replaces proline, which is neutral and non-polar, with leucine, which is neutral and non-polar, at codon 407 of the COL18A1 protein (p.Pro407Leu). The frequency data for this variant in the population databases is considered unreliable, as metrics indicate poor data quality at this position in the gnomAD database. This variant has not been reported in the literature in individuals affected with COL18A1-related conditions. ClinVar contains an entry for this variant (Variation ID: 1388052). Experimental studies and prediction algorithms are not available or were not evaluated, and the functional significance of this variant is currently unknown. In summary, the available evidence is currently insufficient to determine the role of this variant in disease. Therefore, it has been classified as a Variant of Uncertain Significance.